The following is an entry in ClinVar:

NM_022489.4(INF2):c.589C>A (p.Leu197Met)

Gene: INF2 (inverted formin 2; plus strand). Cytogenetic location: 14q32.33.
Variant type: single nucleotide variant.
Coding change: c.589C>A on transcript NM_022489.4 (MANE Select); coding-DNA position 589, C replaced by A.
Protein change: p.Leu197Met; replaces leucine 197 with methionine.
Molecular consequence: missense variant. On other transcripts: non-coding transcript variant (1).
Genome position (GRCh38, 1-based): chr14:104,703,376, C>A. VCF-style: chr14-104703376-C-A. GRCh37 (hg19) VCF-style: chr14-105169713-C-A.
Other names: c.589C>A, p.Leu197Met (NM_001031714.4, NM_001426862.1, NM_001426863.1 and 6 more transcripts); short protein forms L197M.
Identifiers: ClinVar variation 3760874 (VCV003760874.2).

ClinVar aggregate classification (germline): Uncertain significance (1 of 4 stars; one submission).

Conditions:
Focal segmental glomerulosclerosis 5 (FSGS5). Identifiers: Orphanet 656, MedGen C2750475, MONDO:0013191, OMIM 613237.
Charcot-Marie-Tooth disease dominant intermediate E. Also called: CHARCOT-MARIE-TOOTH NEUROPATHY WITH FOCAL SEGMENTAL GLOMERULONEPHRITIS. Identifiers: Orphanet 93114, MedGen C4302667, MONDO:0013758, OMIM 614455.

gnomAD v4.1: 1 of 1,612,936 alleles (0.000062%); highest among the groups gnomAD compares: African/African-American, 0.0013%; no homozygotes.

Submission:

Labcorp Genetics (formerly Invitae), Labcorp
Classification: Uncertain significance for Charcot-Marie-Tooth disease dominant intermediate E; Focal segmental glomerulosclerosis 5. Last evaluated: 2024-09-12. Review status: criteria provided, single submitter. Criteria: Invitae Variant Classification Sherloc (09022015). Collection method: clinical testing. Allele origin: germline.
Comment: This sequence change replaces leucine, which is neutral and non-polar, with methionine, which is neutral and non-polar, at codon 197 of the INF2 protein (p.Leu197Met). This variant is not present in population databases (gnomAD no frequency). This variant has not been reported in the literature in individuals affected with INF2-related conditions. Invitae Evidence Modeling of protein sequence and biophysical properties (such as structural, functional, and spatial information, amino acid conservation, physicochemical variation, residue mobility, and thermodynamic stability) has been performed for this missense variant. However, the output from this modeling did not meet the statistical confidence thresholds required to predict the impact of this variant on INF2 protein function. In summary, the available evidence is currently insufficient to determine the role of this variant in disease. Therefore, it has been classified as a Variant of Uncertain Significance.